The following is an entry in ClinVar:

NM_138295.5(PKD1L1):c.411dup (p.Pro138fs)

Gene: PKD1L1 (polycystin 1 like 1, transient receptor potential channel interacting; minus strand). Cytogenetic location: 7p12.3.
Variant type: Duplication.
Coding change: c.411dup on transcript NM_138295.5 (MANE Select); coding-DNA position 411, one base duplicated (A; older notation c.411dupA).
Protein change: p.Pro138fs; shifts the reading frame from proline 138.
Molecular consequence: frameshift variant.
Genome position (GRCh38, 1-based): chr7:47,932,044, T duplicated on the plus strand (A on the coding strand, the reverse complement: PKD1L1 is on the minus strand); the first of 3 consecutive T bases (chr7:47,932,044-47,932,046); duplicating any one gives the same sequence. VCF-style (leftmost placement, unchanged base first): chr7-47932043-G-GT. GRCh37 (hg19) VCF-style: chr7-47971640-G-GT.
Other names: short protein forms P138fs.
Identifiers: ClinVar variation 1676822 (VCV001676822.2), dbSNP rs1562996059, ClinGen allele CA574255337.

ClinVar aggregate classification (germline): Pathogenic (1 of 4 stars; one submission).

Submission:

MVZ Dr. Eberhard & Partner Dortmund
Classification: Pathogenic. Last evaluated: 2021-09-16. Review status: criteria provided, single submitter. Criteria: ACMG Guidelines, 2015. Collection method: clinical testing. Allele origin: unknown. Observed: 2 compound heterozygotes. Clinical features observed: abdominal situs inversus, cleft palate, polysplenia, Abnormality of cardiovascular system morphology.
Comment: This sequence change creates a frameshift that results in a premature STOP codon. It is predicted to cause loss of function due to nonsense mediated decay (NMD), which is a known mechanisms of disease in PKD1L1 associated autosomal visceral heterotaxy-8 (HTX8, PMID: 27616478, 31026592, 33655537). The variant has not been reported in literature so far and is present at extremly low frequency in population databases (gnomAD, allel count 0,0004%). This variant is considered to be pathogenic according to the ACMG guidelines.